The following is an entry in ClinVar:

NM_019098.5(CNGB3):c.1415C>T (p.Pro472Leu)

Gene: CNGB3 (cyclic nucleotide gated channel subunit beta 3; minus strand). Cytogenetic location: 8q21.3.
Variant type: single nucleotide variant.
Coding change: c.1415C>T on transcript NM_019098.5 (MANE Select); coding-DNA position 1415, C replaced by T.
Protein change: p.Pro472Leu; replaces proline 472 with leucine.
Molecular consequence: missense variant.
Genome position (GRCh38, 1-based): chr8:86,628,984, G>A on the plus strand (C>T on the coding strand, the complement: CNGB3 is on the minus strand). VCF-style: chr8-86628984-G-A. GRCh37 (hg19) VCF-style: chr8-87641212-G-A.
Other names: short protein forms P472L.
Identifiers: ClinVar variation 1402219 (VCV001402219.7), dbSNP rs1373881426, ClinGen allele CA371443345.

ClinVar aggregate classification (germline): Uncertain significance (1 of 4 stars; one submission).

Allele frequency attached by ClinVar (database versions not stated): gnomAD 0.00001; TOPMed 0.00001.
gnomAD v4.1: 1 of 1,613,870 alleles (0.000062%); highest among the groups gnomAD compares: African/African-American, 0.0013%; no homozygotes.

Submission:

Labcorp Genetics (formerly Invitae), Labcorp
Classification: Uncertain significance. Last evaluated: 2022-06-27. Review status: criteria provided, single submitter. Criteria: Invitae Variant Classification Sherloc (09022015). Collection method: clinical testing. Allele origin: germline.
Comment: In summary, the available evidence is currently insufficient to determine the role of this variant in disease. Therefore, it has been classified as a Variant of Uncertain Significance. Advanced modeling of protein sequence and biophysical properties (such as structural, functional, and spatial information, amino acid conservation, physicochemical variation, residue mobility, and thermodynamic stability) performed at Invitae indicates that this missense variant is expected to disrupt CNGB3 protein function. This variant has not been reported in the literature in individuals affected with CNGB3-related conditions. This variant is not present in population databases (gnomAD no frequency). This sequence change replaces proline, which is neutral and non-polar, with leucine, which is neutral and non-polar, at codon 472 of the CNGB3 protein (p.Pro472Leu).